The following is an entry in ClinVar:

ClinVar aggregate classification (germline): Uncertain significance. Review status: criteria provided, multiple submitters, no conflicts (2 of 4 stars). 2 submissions from 2 submitters: Uncertain significance (2). Last evaluated 2024-04-12.

Conditions:
Severe early-childhood-onset retinal dystrophy (STGD1). Also called: STGD; Stargardt macular dystrophy; Juvenile onset macular degeneration; Stargardt disease 1; MACULAR DYSTROPHY WITH FLECKS, TYPE 1. Identifiers: Orphanet 364055, Orphanet 827, MedGen C1855465, MeSH D000080362, MONDO:0009549, OMIM 248200.

Allele frequency attached by ClinVar (database versions not stated): gnomAD exomes 0.00001.
gnomAD v4.1: 14 of 1,614,076 alleles (0.00087%); highest among the groups gnomAD compares: Non-Finnish European, 0.001%; no homozygotes.

Submissions (2):

Blueprint Genetics
Classification: Uncertain significance. Last evaluated: 2024-04-12. Review status: criteria provided, single submitter. Criteria: ACMG Guidelines, 2015. Collection method: clinical testing. Allele origin: germline.

3billion
Classification: Uncertain significance for Severe early-childhood-onset retinal dystrophy. Last evaluated: 2022-01-03. Review status: criteria provided, single submitter. Criteria: ACMG Guidelines, 2015. Collection method: clinical testing. Allele origin: germline. Affected: yes. Observed: 1 heterozygote.
Comment: The variant not observed in the gnomAD v2.1.1 dataset (PM2_M). A missense variant is a common mechanism associated with Stargardt disease 1 (PP2_P). Therefore, this variant is classified as uncertain significance according to the recommendation of ACMG/AMP guideline.

NM_000350.3(ABCA4):c.3941C>T (p.Pro1314Leu)

Gene: ABCA4 (ATP binding cassette subfamily A member 4; minus strand). Cytogenetic location: 1p22.1.
Variant type: single nucleotide variant.
Coding change: c.3941C>T on transcript NM_000350.3 (MANE Select); coding-DNA position 3941, C replaced by T.
Protein change: p.Pro1314Leu; replaces proline 1314 with leucine.
Molecular consequence: missense variant.
Genome position (GRCh38, 1-based): chr1:94,031,965, G>A on the plus strand (C>T on the coding strand, the complement: ABCA4 is on the minus strand). VCF-style: chr1-94031965-G-A. GRCh37 (hg19) VCF-style: chr1-94497521-G-A.
Other names: c.3719C>T, p.Pro1240Leu (NM_001425324.1); short protein forms P1314L, P1240L.
Identifiers: ClinVar variation 1333411 (VCV001333411.2), dbSNP rs2101037181, ClinGen allele CA341287696.